The following is an entry in ClinVar:

ClinVar aggregate classification (germline): Uncertain significance (1 of 4 stars; one submission).

Conditions:
Cardiovascular phenotype. Identifiers: MedGen CN230736.

Submission:

Ambry Genetics
Classification: Uncertain significance for Cardiovascular phenotype. Last evaluated: 2025-05-26. Review status: criteria provided, single submitter. Criteria: Ambry Variant Classification Scheme 2023. Collection method: clinical testing. Allele origin: germline.
Comment: The p.E1567D variant (also known as c.4701G>T), located in coding exon 26 of the APOB gene, results from a G to T substitution at nucleotide position 4701. The glutamic acid at codon 1567 is replaced by aspartic acid, an amino acid with highly similar properties. This amino acid position is conserved. In addition, this alteration is predicted to be tolerated by in silico analysis. Based on the available evidence, the clinical significance of this variant remains unclear.

NM_000384.3(APOB):c.4701G>T (p.Glu1567Asp)

Gene: APOB (apolipoprotein B; minus strand). Cytogenetic location: 2p24.1.
Variant type: single nucleotide variant.
Coding change: c.4701G>T on transcript NM_000384.3 (MANE Select); coding-DNA position 4701, G replaced by T.
Protein change: p.Glu1567Asp; replaces glutamic acid 1567 with aspartic acid.
Molecular consequence: missense variant.
Genome position (GRCh38, 1-based): chr2:21,012,167, C>A on the plus strand (G>T on the coding strand, the complement: APOB is on the minus strand). VCF-style: chr2-21012167-C-A. GRCh37 (hg19) VCF-style: chr2-21235039-C-A.
Other names: short protein forms E1567D.
Identifiers: ClinVar variation 3933241 (VCV003933241.1).